The following is an entry in ClinVar:

NM_152393.4(KLHL40):c.680G>T (p.Arg227Leu)

Gene: KLHL40 (kelch like family member 40; plus strand). Cytogenetic location: 3p22.1.
Variant type: single nucleotide variant.
Coding change: c.680G>T on transcript NM_152393.4 (MANE Select); coding-DNA position 680, G replaced by T.
Protein change: p.Arg227Leu; replaces arginine 227 with leucine.
Molecular consequence: missense variant.
Genome position (GRCh38, 1-based): chr3:42,686,298, G>T. VCF-style: chr3-42686298-G-T. GRCh37 (hg19) VCF-style: chr3-42727790-G-T.
Other names: short protein forms R227L.
Identifiers: ClinVar variation 1500189 (VCV001500189.6), dbSNP rs750754016, ClinGen allele CA2336713.

ClinVar aggregate classification (germline): Uncertain significance (1 of 4 stars; one submission).

Conditions:
Nemaline myopathy 8 (NEM8). Also called: Nemaline myopathy 8, autosomal recessive. Identifiers: Orphanet 171430, MedGen C3809209, MONDO:0014138, OMIM 615348.

Allele frequency attached by ClinVar (database versions not stated): gnomAD 0.00001.

Submission:

Labcorp Genetics (formerly Invitae), Labcorp
Classification: Uncertain significance for Nemaline myopathy 8. Last evaluated: 2024-11-05. Review status: criteria provided, single submitter. Criteria: Invitae Variant Classification Sherloc (09022015). Collection method: clinical testing. Allele origin: germline.
Comment: This sequence change replaces arginine, which is basic and polar, with leucine, which is neutral and non-polar, at codon 227 of the KLHL40 protein (p.Arg227Leu). The frequency data for this variant in the population databases is considered unreliable, as metrics indicate poor data quality at this position in the gnomAD database. This variant has not been reported in the literature in individuals affected with KLHL40-related conditions. ClinVar contains an entry for this variant (Variation ID: 1500189). Invitae Evidence Modeling of protein sequence and biophysical properties (such as structural, functional, and spatial information, amino acid conservation, physicochemical variation, residue mobility, and thermodynamic stability) indicates that this missense variant is not expected to disrupt KLHL40 protein function with a negative predictive value of 80%. In summary, the available evidence is currently insufficient to determine the role of this variant in disease. Therefore, it has been classified as a Variant of Uncertain Significance.